The following is an entry in ClinVar:

NM_177438.3(DICER1):c.5112A>G (p.Leu1704=)

Gene: DICER1 (dicer 1, ribonuclease III; minus strand). Cytogenetic location: 14q32.13.
Variant type: single nucleotide variant.
Coding change: c.5112A>G on transcript NM_177438.3 (MANE Select); coding-DNA position 5112, A replaced by G.
Protein change: p.Leu1704=; no amino-acid change (leucine 1704 retained).
Molecular consequence: synonymous variant.
Genome position (GRCh38, 1-based): chr14:95,094,140, T>C on the plus strand (A>G on the coding strand, the complement: DICER1 is on the minus strand). VCF-style: chr14-95094140-T-C. GRCh37 (hg19) VCF-style: chr14-95560477-T-C.
Other names: c.5112A>G, p.Leu1704= (NM_001195573.1, NM_001271282.3, NM_001291628.2 and 1 more transcripts).
Identifiers: ClinVar variation 477241 (VCV000477241.18), dbSNP rs1388170795, ClinGen allele CA487843965.

ClinVar aggregate classification (germline): Benign/Likely benign. Review status: criteria provided, multiple submitters, no conflicts (2 of 4 stars). 3 submissions from 3 submitters: Benign (1); Likely benign (2). Last evaluated 2026-04-20.

Conditions:
DICER1-related tumor predisposition. Also called: DICER1-related pleuropulmonary blastoma cancer predisposition syndrome; DICER1 syndrome. Identifiers: Orphanet 284343, MedGen C3839822, MONDO:0100216.
Hereditary cancer-predisposing syndrome. Also called: Hereditary neoplastic syndrome; Neoplastic Syndromes, Hereditary; Hereditary Cancer Syndrome; Tumor predisposition. Identifiers: Orphanet 140162, MedGen C0027672, MeSH D009386, MONDO:0015356.

Allele frequency attached by ClinVar (database versions not stated): gnomAD exomes below 0.00001 and 0.00003.
gnomAD v4.1: 45 of 1,614,182 alleles (0.0028%); highest among the groups gnomAD compares: Non-Finnish European, 0.0038%; no homozygotes.

Submissions (3):

Myriad Genetics, Inc.
Classification: Benign for DICER1-related tumor predisposition. Last evaluated: 2026-04-20. Review status: criteria provided, single submitter. Criteria: Myriad Autosomal Dominant, Autosomal Recessive and X-Linked Classification Criteria (2023). Collection method: clinical testing. Allele origin: unknown.
Comment: This variant is considered benign. This variant is a silent/synonymous amino acid change and it is not expected to impact splicing.

Labcorp Genetics (formerly Invitae), Labcorp
Classification: Likely benign for DICER1-related tumor predisposition. Last evaluated: 2025-09-15. Review status: criteria provided, single submitter. Criteria: Invitae Variant Classification Sherloc (09022015). Collection method: clinical testing. Allele origin: germline.

Ambry Genetics
Classification: Likely benign for Hereditary cancer-predisposing syndrome. Last evaluated: 2017-03-30. Review status: criteria provided, single submitter. Criteria: Ambry Variant Classification Scheme 2023. Collection method: clinical testing. Allele origin: germline.